The following is an entry in ClinVar:

ClinVar aggregate classification (germline): Uncertain significance (1 of 4 stars; one submission).

Conditions:
Cranioectodermal dysplasia 1 (CED1). Also called: LEVIN SYNDROME I. Identifiers: Orphanet 1515, MedGen C0432235, MONDO:0021093, OMIM 218330.

Submission:

Labcorp Genetics (formerly Invitae), Labcorp
Classification: Uncertain significance for Cranioectodermal dysplasia 1. Last evaluated: 2022-04-14. Review status: criteria provided, single submitter. Criteria: Invitae Variant Classification Sherloc (09022015). Collection method: clinical testing. Allele origin: germline.
Comment: This variant is not present in population databases (gnomAD no frequency). This sequence change replaces leucine, which is neutral and non-polar, with phenylalanine, which is neutral and non-polar, at codon 627 of the IFT122 protein (p.Leu627Phe). This variant has not been reported in the literature in individuals affected with IFT122-related conditions. In summary, the available evidence is currently insufficient to determine the role of this variant in disease. Therefore, it has been classified as a Variant of Uncertain Significance. Algorithms developed to predict the effect of missense changes on protein structure and function are either unavailable or do not agree on the potential impact of this missense change (SIFT: "Deleterious"; PolyPhen-2: "Probably Damaging"; Align-GVGD: "Class C15").

NM_052989.3(IFT122):c.1726C>T (p.Leu576Phe)

Gene: IFT122 (intraflagellar transport 122; plus strand). Cytogenetic location: 3q21.3.
Variant type: single nucleotide variant.
Coding change: c.1726C>T on transcript NM_052989.3 (MANE Select); coding-DNA position 1726, C replaced by T.
Protein change: p.Leu576Phe; replaces leucine 576 with phenylalanine.
Molecular consequence: missense variant.
Genome position (GRCh38, 1-based): chr3:129,483,557, C>T. VCF-style: chr3-129483557-C-T. GRCh37 (hg19) VCF-style: chr3-129202400-C-T.
Other names: c.1702C>T, p.Leu568Phe (NM_001280541.2); c.1276C>T, p.Leu426Phe (NM_001280545.2); c.1099C>T, p.Leu367Phe (NM_001280546.2); c.1726C>T, p.Leu576Phe (NM_001410808.1, NM_001410809.1); c.1549C>T, p.Leu517Phe (NM_001410810.1, NM_001410811.1, NM_001410813.1 and 1 more transcripts); c.1393C>T, p.Leu465Phe (NM_001410815.1, NM_001410817.1, NM_052990.3); c.1879C>T, p.Leu627Phe (NM_052985.4); short protein forms L465F, L517F, L367F, L627F, L426F, L568F, L576F.
Identifiers: ClinVar variation 2056689 (VCV002056689.4), dbSNP rs2531951189, ClinGen allele CA354477173.